The following is an entry in ClinVar:

NM_000245.4(MET):c.2091T>C (p.Cys697=)

Gene: MET (MET proto-oncogene, receptor tyrosine kinase; plus strand). Cytogenetic location: 7q31.2.
Variant type: single nucleotide variant.
Coding change: c.2091T>C on transcript NM_000245.4 (MANE Select); coding-DNA position 2091, T replaced by C.
Protein change: p.Cys697=; no amino-acid change (cysteine 697 retained).
Molecular consequence: synonymous variant.
Genome position (GRCh38, 1-based): chr7:116,757,763, T>C. VCF-style: chr7-116757763-T-C. GRCh37 (hg19) VCF-style: chr7-116397817-T-C.
Other names: c.2091T>C, p.Cys697= (NM_001127500.3, NM_001324401.3); c.801T>C, p.Cys267= (NM_001324402.2).
Identifiers: ClinVar variation 2173568 (VCV002173568.5), dbSNP rs1425084051, ClinGen allele CA457216612.

ClinVar aggregate classification (germline): Benign/Likely benign. Review status: criteria provided, multiple submitters, no conflicts (2 of 4 stars). 2 submissions from 2 submitters: Benign (1); Likely benign (1). Last evaluated 2025-11-26.

Conditions:
Renal cell carcinoma. Identifiers: Orphanet 217071, MedGen C0007134, MeSH D002292, MONDO:0005086, HP:0005584.
Papillary renal cell carcinoma type 1 (RCCP1). Also called: RENAL CELL CARCINOMA, PAPILLARY, 1, SOMATIC; Renal adenocarcinoma; Renal cell carcinoma 1; Renal cell carcinoma, somatic. Identifiers: Orphanet 47044, MedGen C1336839, OMIM 605074, HP:0011797.

Allele frequency attached by ClinVar (database versions not stated): gnomAD exomes below 0.00001.
gnomAD v4.1: 1 of 1,613,898 alleles (0.000062%); highest among the groups gnomAD compares: East Asian, 0.0022%; no homozygotes.

Submissions (2):

Labcorp Genetics (formerly Invitae), Labcorp
Classification: Likely benign for Renal cell carcinoma. Last evaluated: 2025-11-26. Review status: criteria provided, single submitter. Criteria: Invitae Variant Classification Sherloc (09022015). Collection method: clinical testing. Allele origin: germline.

Myriad Genetics, Inc.
Classification: Benign for Papillary renal cell carcinoma type 1. Last evaluated: 2024-11-08. Review status: criteria provided, single submitter. Criteria: Myriad Autosomal Dominant, Autosomal Recessive and X-Linked Classification Criteria (2023). Collection method: clinical testing. Allele origin: unknown.
Comment: This variant is considered benign. This variant is a silent/synonymous amino acid change and it is not expected to impact splicing.